The following is an entry in ClinVar:

NM_000038.6(APC):c.2780C>T (p.Ala927Val)

Gene: APC (APC regulator of Wnt signaling pathway; plus strand). Cytogenetic location: 5q22.2.
Variant type: single nucleotide variant.
Coding change: c.2780C>T on transcript NM_000038.6 (MANE Select); coding-DNA position 2780, C replaced by T.
Protein change: p.Ala927Val; replaces alanine 927 with valine.
Molecular consequence: missense variant. On other transcripts: non-coding transcript variant (2).
Genome position (GRCh38, 1-based): chr5:112,838,374, C>T. VCF-style: chr5-112838374-C-T. GRCh37 (hg19) VCF-style: chr5-112174071-C-T.
Other names: c.2780C>T, p.Ala927Val (NM_001127510.3, NM_001354895.2, NM_001407450.1); c.2726C>T, p.Ala909Val (NM_001127511.3); c.2834C>T, p.Ala945Val (NM_001354896.2, NM_001407447.1, NM_001407448.1 and 1 more transcripts); c.2810C>T, p.Ala937Val (NM_001354897.2); c.2705C>T, p.Ala902Val (NM_001354898.2); c.2696C>T, p.Ala899Val (NM_001354899.2); c.2657C>T, p.Ala886Val (NM_001354900.2); c.2603C>T, p.Ala868Val (NM_001354901.2, NM_001407453.1); and 11 more; short protein forms A798V, A844V, A920V, A543V, A644V, A767V, A826V, A868V.
Identifiers: ClinVar variation 3635433 (VCV003635433.2).
Genomic context (GRCh38, chr5:112,838,374, plus strand): 5'-GGTCTACCACTGAATTACATTGTGTGACAGATGAGAGAAATGCACTTAGAAGAAGCTCTG[C>T]TGCCCATACACATTCAAACACTTACAATTTCACTAAGTCGGAAAATTCAAATAGGACATG-3'
Protein context (NP_000029.2, residues 917-937): DERNALRRSS[Ala927Val]AHTHSNTYNF

ClinVar aggregate classification (germline): Uncertain significance (1 of 4 stars; one submission).

Conditions:
Familial adenomatous polyposis 1 (FAP1). Also called: FAMILIAL ADENOMATOUS POLYPOSIS 1, ATTENUATED; POLYPOSIS, ADENOMATOUS INTESTINAL. Identifiers: MedGen C2713442, MONDO:0021056, OMIM 175100. Disease mechanism: loss of function.

gnomAD v4.1: 1 of 1,614,054 alleles (0.000062%); highest among the groups gnomAD compares: African/African-American, 0.0013%; no homozygotes.

Submission:

Labcorp Genetics (formerly Invitae), Labcorp
Classification: Uncertain significance for Familial adenomatous polyposis 1. Last evaluated: 2024-03-26. Review status: criteria provided, single submitter. Criteria: Invitae Variant Classification Sherloc (09022015). Collection method: clinical testing. Allele origin: germline.
Comment: This sequence change replaces alanine, which is neutral and non-polar, with valine, which is neutral and non-polar, at codon 927 of the APC protein (p.Ala927Val). This variant is not present in population databases (gnomAD no frequency). This variant has not been reported in the literature in individuals affected with APC-related conditions. Advanced modeling of protein sequence and biophysical properties (such as structural, functional, and spatial information, amino acid conservation, physicochemical variation, residue mobility, and thermodynamic stability) performed at Invitae indicates that this missense variant is not expected to disrupt APC protein function with a negative predictive value of 95%. In summary, the available evidence is currently insufficient to determine the role of this variant in disease. Therefore, it has been classified as a Variant of Uncertain Significance.